The following is an entry in ClinVar:

ClinVar aggregate classification (germline): Uncertain significance (1 of 4 stars; one submission).

Conditions:
Familial thoracic aortic aneurysm and aortic dissection (TAAD). Also called: Thoracic aortic aneurysms and dissections. Identifiers: Orphanet 91387, MedGen C4707243, MONDO:0019625.

Allele frequency attached by ClinVar (database versions not stated): gnomAD exomes below 0.00001.
gnomAD v4.1: 1 of 1,614,032 alleles (0.000062%); highest among the groups gnomAD compares: Non-Finnish European, 0.000085%; no homozygotes.

Submission:

Color Diagnostics, LLC DBA Color Health
Classification: Uncertain significance for Familial thoracic aortic aneurysm and aortic dissection. Last evaluated: 2024-03-06. Review status: criteria provided, single submitter. Criteria: ACMG Guidelines, 2015. Collection method: clinical testing. Allele origin: germline.
Comment: This missense variant replaces glycine with alanine at codon 90 of the FBN1 protein. Computational prediction is inconclusive regarding the impact of this variant on protein structure and function (internally defined REVEL score threshold 0.5 < inconclusive < 0.7, PMID: 27666373). To our knowledge, functional studies have not been reported for this variant. This variant has not been reported in individuals affected with cardiovascular disorders in the literature. This variant has not been identified in the general population by the Genome Aggregation Database (gnomAD). The available evidence is insufficient to determine the role of this variant in disease conclusively. Therefore, this variant is classified as a Variant of Uncertain Significance.

NM_000138.5(FBN1):c.269G>C (p.Gly90Ala)

Gene: FBN1 (fibrillin 1; minus strand). Cytogenetic location: 15q21.1.
Variant type: single nucleotide variant.
Coding change: c.269G>C on transcript NM_000138.5 (MANE Select); coding-DNA position 269, G replaced by C.
Protein change: p.Gly90Ala; replaces glycine 90 with alanine.
Molecular consequence: missense variant.
Genome position (GRCh38, 1-based): chr15:48,610,805, C>G on the plus strand (G>C on the coding strand, the complement: FBN1 is on the minus strand). VCF-style: chr15-48610805-C-G. GRCh37 (hg19) VCF-style: chr15-48903002-C-G.
Other names: short protein forms G90A.
Identifiers: ClinVar variation 1332586 (VCV001332586.3), dbSNP rs2140734033, ClinGen allele CA392447075.